The following is an entry in ClinVar:

NM_001267550.2(TTN):c.106963G>A (p.Val35655Ile)

Genes: TTN (titin; minus strand), TTN-AS1 (TTN antisense RNA 1; plus strand). Cytogenetic location: 2q31.2.
Variant type: single nucleotide variant.
Coding change: c.106963G>A on transcript NM_001267550.2 (MANE Select); coding-DNA position 106963, G replaced by A.
Protein change: p.Val35655Ile; replaces valine 35655 with isoleucine.
Molecular consequence: missense variant.
Genome position (GRCh38, 1-based): chr2:178,528,788, C>T on the plus strand (G>A on the coding strand, the complement: TTN is on the minus strand). VCF-style: chr2-178528788-C-T. GRCh37 (hg19) VCF-style: chr2-179393515-C-T.
Other names: c.102040G>A, p.Val34014Ile (NM_001256850.1); c.79768G>A, p.Val26590Ile (NM_003319.4); c.99259G>A, p.Val33087Ile (NM_133378.4); c.80143G>A, p.Val26715Ile (NM_133432.3); c.80344G>A, p.Val26782Ile (NM_133437.4); short protein forms V26590I, V26715I, V26782I, V33087I, V34014I, V35655I.
Identifiers: ClinVar variation 4891187 (VCV004891187.1).

ClinVar aggregate classification (germline): Uncertain significance (1 of 4 stars; one submission).

Submission:

Greenwood Genetic Center Diagnostic Laboratories, Greenwood Genetic Center
Classification: Uncertain significance. Last evaluated: 2026-06-25. Review status: criteria provided, single submitter. Criteria: ACMG Guidelines, 2015. Collection method: clinical testing. Allele origin: germline.
Comment: PM2, BP4, PP2